The following is an entry in ClinVar:

NM_004360.5(CDH1):c.1612G>T (p.Asp538Tyr)

Gene: CDH1 (cadherin 1; plus strand). Cytogenetic location: 16q22.1.
Variant type: single nucleotide variant.
Coding change: c.1612G>T on transcript NM_004360.5 (MANE Select); coding-DNA position 1612, G replaced by T.
Protein change: p.Asp538Tyr; replaces aspartic acid 538 with tyrosine.
Molecular consequence: missense variant. On other transcripts: intron variant (1).
Genome position (GRCh38, 1-based): chr16:68,819,326, G>T. VCF-style: chr16-68819326-G-T. GRCh37 (hg19) VCF-style: chr16-68853229-G-T.
Other names: c.1612G>T (LRG_301t1); c.1429G>T, p.Asp477Tyr (NM_001317184.2); c.64G>T, p.Asp22Tyr (NM_001317185.2); c.-254-2675G>T (NM_001317186.2); short protein forms D538Y, D22Y, D477Y.
Identifiers: ClinVar variation 479491 (VCV000479491.14), dbSNP rs756154596, ClinGen allele CA8130114.

ClinVar aggregate classification (germline): Uncertain significance. Review status: criteria provided, multiple submitters, no conflicts (2 of 4 stars). 4 submissions from 4 submitters: Uncertain significance (4). Last evaluated 2026-01-12.

Conditions:
Hereditary cancer-predisposing syndrome. Also called: Tumor predisposition; Neoplastic Syndromes, Hereditary; Hereditary Cancer Syndrome; Hereditary neoplastic syndrome. Identifiers: Orphanet 140162, MedGen C0027672, MeSH D009386, MONDO:0015356.
Hereditary diffuse gastric adenocarcinoma (HDGC). Also called: DIFFUSE GASTRIC AND LOBULAR BREAST CANCER SYNDROME. Identifiers: Orphanet 26106, MedGen C1708349, MONDO:0007648, OMIM 137215.
Familial cancer of breast. Also called: BREAST CANCER, FAMILIAL; Hereditary breast cancer; hereditary breast carcinoma. Identifiers: Orphanet 227535, MedGen C0346153, MONDO:0016419, OMIM 114480. Disease mechanism: loss of function.

Allele frequency attached by ClinVar (database versions not stated): ExAC 0.00001; gnomAD exomes 0.00001.
gnomAD v4.1: 2 of 1,614,156 alleles (0.00012%); highest among the groups gnomAD compares: Admixed American, 0.0033%; no homozygotes.

Submissions (4):

Labcorp Genetics (formerly Invitae), Labcorp
Classification: Uncertain significance for Hereditary diffuse gastric adenocarcinoma. Last evaluated: 2026-01-12. Review status: criteria provided, single submitter. Criteria: Invitae Variant Classification Sherloc (09022015). Collection method: clinical testing. Allele origin: germline.
Comment: This sequence change replaces aspartic acid, which is acidic and polar, with tyrosine, which is neutral and polar, at codon 538 of the CDH1 protein (p.Asp538Tyr). This variant is present in population databases (rs756154596, gnomAD 0.006%). This variant has not been reported in the literature in individuals affected with CDH1-related conditions. ClinVar contains an entry for this variant (Variation ID: 479491). An algorithm developed to predict the effect of missense changes on protein structure and function (PolyPhen-2) suggests that this variant is likely to be disruptive. This variant disrupts the p.Asp538 amino acid residue in CDH1. Other variant(s) that disrupt this residue have been determined to be pathogenic (external communication, internal data). This suggests that this residue is clinically significant, and that variants that disrupt this residue are likely to be disease-causing. In summary, the available evidence is currently insufficient to determine the role of this variant in disease. Therefore, it has been classified as a Variant of Uncertain Significance.

Ambry Genetics
Classification: Uncertain significance for Hereditary cancer-predisposing syndrome. Last evaluated: 2025-06-23. Review status: criteria provided, single submitter. Criteria: Ambry Variant Classification Scheme 2023. Collection method: clinical testing. Allele origin: germline.
Comment: The p.D538Y variant (also known as c.1612G>T), located in coding exon 11 of the CDH1 gene, results from a G to T substitution at nucleotide position 1612. The aspartic acid at codon 538 is replaced by tyrosine, an amino acid with highly dissimilar properties. Other variant(s) at the same codon, p.D538V (c.1613A>T), have been identified in individual(s) with features consistent with CDH1-related diffuse gastric and lobular breast cancer (DGLBC) (Ambry internal data). This amino acid position is not well conserved in available vertebrate species. In addition, this alteration is predicted to be tolerated by in silico analysis. Based on the available evidence, the clinical significance of this variant remains unclear.

Baylor Genetics
Classification: Uncertain significance for Familial cancer of breast. Last evaluated: 2023-10-06. Review status: criteria provided, single submitter. Criteria: ACMG Guidelines, 2015. Collection method: clinical testing. Allele origin: unknown.

PreventionGenetics, part of Exact Sciences
Classification: Uncertain significance. Last evaluated: 2017-11-27. Review status: criteria provided, single submitter. Criteria: ACMG Guidelines, 2015. Collection method: clinical testing. Allele origin: germline.